The following is an entry in ClinVar:

ClinVar aggregate classification (germline): Likely pathogenic (1 of 4 stars; one submission).

Submission:

Quest Diagnostics Nichols Institute San Juan Capistrano
Classification: Likely pathogenic. Last evaluated: 2021-11-08. Review status: criteria provided, single submitter. Criteria: ACMG/ClinGen CNV Guidelines, 2019. Collection method: clinical testing. Allele origin: unknown.
Comment: The copy number loss of 11q22.1q22.3 involves multiple protein-coding genes, including CNTN5 (OMIM 607219), TRPC6 (OMIM 603652), YAP1 (OMIM 606608), and MMP13 (OMIM 600108). Deletions of 11q21q22.3 overlapping this region have been reported in individuals with an emerging syndrome characterized by developmental or speech delay, intellectual disability or learning difficulties, facial dysmorphism, hypotonia, short stature, and eye coloboma. Among the reported cases, a 6.5-Mb deletion fully encompassing the current interval was identified in a patient with developmental delay and other unspecified developmental or morphological abnormalities (Kirk 2020). CNTN5, YAP1, and GRI4 were proposed as the most likely candidate genes, two of which are encompassed in the current loss interval. Additionally, there are no similar copy number losses of this region in the general populations of the Database of Genomic Variants. Thus, although hemizygous deletions of this specific locus have not been associated with an established clinical phenotype, based on size and gene content, this copy number loss is interpreted as likely pathogenic. Additional information on the 11q22.1q22.3 segment: Heterozygous sequence variants of YAP1 (missense, nonsense, frameshift) are associated with autosomal dominant ocular coloboma with or without hearing impairment, cleft lip/palate, and/or intellectual disability (OMIM 120433). Additionally, heterozygous sequence variants of TRPC6 are associated with autosomal dominant focal segmental glomerulosclerosis-2 (OMIM 603965). While most TRPC6 pathogenic variants cause a gain-of-function phenotype, other missense variants are reported to cause loss-of function, one of them with a dominant negative effect (Riehle 2016). Further, heterozygous missense variants of MMP13 are associated with autosomal dominant metaphyseal anadysplasia or the Missouri type of spondyloepimetaphyseal dysplasia (OMIM 602111), whereas biallelic variants are associated with autosomal recessive Spahr type metaphyseal dysplasia (OMIM 250400). Lastly, although CNTN5 is not currently associated with an OMIM phenotype, deletions and sequence variants of this gene have been associated with an increased risk for neurodevelopmental disorders, particularly autism spectrum disorders, attention deficit/hyperactivity disorder, and anorexia nervosa (Satterstrom 2020, Oguro-Ando 2017, McRae 2017, Monies 2017). In one large study of autism, patients carrying CNTN5 or CNTN6 (OMIM 607220) copy number or sequence variants were more prone to suffer from hyperacusis (39/48 cases vs. 360/548 controls; P=0.036) and abnormal idiosyncratic-negative response to specific sensory stimuli (23/41 cases vs. 153/505 controls; P=0.001) (Mercati 2017). However, haploinsufficiency has not been established as a disease mechanism for any of the genes in this interval. There are multiple genes in this copy number loss that are associated with autosomal recessive disorders: CFAP300 (OMIM 618058), MMP20 (OMIM 604629), MMP1 (OMIM 120353), and DYNC2H1 (OMIM 603297). References: Kirk et al., Cytogenet Genome Res. 2020;160(4):185-192. PMID: 32316019. McRae et al., Nature. 2017 Feb 23;542(7642):433-438. PMID: 28135719. Mercati et al., Mol Psychiatry. 2017 Apr;22(4):625-633. PMID: 27166760. Monies et al., Hum Genet. 2017 Aug;136(8):921-939. PMID: 28600779. Oguro-Ando et al., Mol Cell Neurosci. 2017 Jan 5. pii: S1044-7431(16)30291-3. PMID: 28064060. Riehle et al., J Am Soc Nephrol. 2016 Sep;27(9):2771-83. PMID: 26892346. Satterstrom et al., Cell. 2020 Feb 6;180(3):568-584.e23. PMID: 31981491.

GRCh37/hg19 11q22.1-22.3(chr11:98770072-104602846)x1

Genes: ANGPTL5 (angiopoietin like 5; minus strand), ARHGAP42 (Rho GTPase activating protein 42; plus strand), BIRC2 (baculoviral IAP repeat containing 2; plus strand), BIRC3 (baculoviral IAP repeat containing 3; plus strand), CEP126 (centrosomal protein 126; plus strand) and 20 more. Cytogenetic location: 11q22.1-22.3.
Variant type: copy number loss.
Change: copy number 1 (one copy instead of two) of chr11:98,770,072-104,602,846 (5.83 Mb, GRCh37 coordinates, 1-based), cytogenetic band 11q22.1-22.3.
Identifiers: ClinVar variation 1807796 (VCV001807796.1).